The following is an entry in ClinVar:

ClinVar aggregate classification (germline): Uncertain significance. Review status: criteria provided, multiple submitters, no conflicts (2 of 4 stars). 2 submissions from 2 submitters: Uncertain significance (2). Last evaluated 2023-06-05.

Conditions:
Autosomal dominant limb-girdle muscular dystrophy type 1F (LGMDD2). Also called: Limb-girdle muscular dystrophy, type 1F; MUSCULAR DYSTROPHY, LIMB-GIRDLE, AUTOSOMAL DOMINANT 2. Identifiers: Orphanet 55595, MedGen C1842062, MONDO:0012034, OMIM 608423.

Allele frequency attached by ClinVar (database versions not stated): TOPMed below 0.00001; gnomAD exomes 0.00001.
gnomAD v4.1: 8 of 1,600,064 alleles (0.0005%); highest among the groups gnomAD compares: African/African-American, 0.0013%; no homozygotes.

Submissions (2):

Labcorp Genetics (formerly Invitae), Labcorp
Classification: Uncertain significance for Autosomal dominant limb-girdle muscular dystrophy type 1F. Last evaluated: 2023-06-05. Review status: criteria provided, single submitter. Criteria: Invitae Variant Classification Sherloc (09022015). Collection method: clinical testing. Allele origin: germline.
Comment: In summary, the available evidence is currently insufficient to determine the role of this variant in disease. Therefore, it has been classified as a Variant of Uncertain Significance. An algorithm developed to predict the effect of missense changes on protein structure and function (PolyPhen-2) suggests that this variant is likely to be tolerated. ClinVar contains an entry for this variant (Variation ID: 2186304). This variant has not been reported in the literature in individuals affected with TNPO3-related conditions. This variant is not present in population databases (gnomAD no frequency). This sequence change replaces aspartic acid, which is acidic and polar, with glycine, which is neutral and non-polar, at codon 814 of the TNPO3 protein (p.Asp814Gly).

Revvity Omics, Revvity
Classification: Uncertain significance for Autosomal dominant limb-girdle muscular dystrophy type 1F. Last evaluated: 2022-03-08. Review status: criteria provided, single submitter. Criteria: ACMG Guidelines, 2015. Collection method: clinical testing. Allele origin: germline.

NM_012470.4(TNPO3):c.2441A>G (p.Asp814Gly)

Gene: TNPO3 (transportin 3; minus strand). Cytogenetic location: 7q32.1.
Variant type: single nucleotide variant.
Coding change: c.2441A>G on transcript NM_012470.4 (MANE Select); coding-DNA position 2441, A replaced by G.
Protein change: p.Asp814Gly; replaces aspartic acid 814 with glycine.
Molecular consequence: missense variant. On other transcripts: non-coding transcript variant (18).
Genome position (GRCh38, 1-based): chr7:128,970,305, T>C on the plus strand (A>G on the coding strand, the complement: TNPO3 is on the minus strand). VCF-style: chr7-128970305-T-C. GRCh37 (hg19) VCF-style: chr7-128610359-T-C.
Other names: c.2249A>G, p.Asp750Gly (NM_001191028.3, NM_001382223.1); c.2543A>G, p.Asp848Gly (NM_001382216.1); c.2522A>G, p.Asp841Gly (NM_001382217.1); c.2441A>G, p.Asp814Gly (NM_001382218.1); c.2333A>G, p.Asp778Gly (NM_001382219.1); c.2300A>G, p.Asp767Gly (NM_001382220.1); c.2297A>G, p.Asp766Gly (NM_001382221.1); c.2294A>G, p.Asp765Gly (NM_001382222.1); and 1 more; short protein forms D765G, D778G, D767G, D841G, D848G, D750G, D766G, D814G.
Identifiers: ClinVar variation 2186304 (VCV002186304.7), dbSNP rs944698357, ClinGen allele CA166242806.
Genomic context (GRCh38, chr7:128,970,305, plus strand): 5'-ACAAGCTGCTGTCCAAGCTGGTTCATCACCTGTCCAATCAGTTCTTTCCGTAATTCAAAG[T>C]CTTCTTCATGCTGTATGTAGGAAAGCAGGAACATCAGATAAATTCTAGTCTCAACTTCCC-3'
Protein context (NP_036602.1, residues 804-824): HTGVANDHEE[Asp814Gly]FELRKELIGQ